The following is an entry in ClinVar:

NM_152468.5(TMC8):c.836G>A (p.Arg279His)

Gene: TMC8 (transmembrane channel like 8; plus strand). Cytogenetic location: 17q25.3.
Variant type: single nucleotide variant.
Coding change: c.836G>A on transcript NM_152468.5 (MANE Select); coding-DNA position 836, G replaced by A.
Protein change: p.Arg279His; replaces arginine 279 with histidine.
Molecular consequence: missense variant.
Genome position (GRCh38, 1-based): chr17:78,134,413, G>A. VCF-style: chr17-78134413-G-A. GRCh37 (hg19) VCF-style: chr17-76130494-G-A.
Other names: short protein forms R279H.
Identifiers: ClinVar variation 650934 (VCV000650934.10), dbSNP rs372510006, ClinGen allele CA8796632.

ClinVar aggregate classification (germline): Uncertain significance. Review status: criteria provided, multiple submitters, no conflicts (2 of 4 stars). 2 submissions from 2 submitters: Uncertain significance (2). Last evaluated 2025-08-09.

Conditions:
Inborn genetic diseases. Identifiers: MedGen C0950123, MeSH D030342.
Epidermodysplasia verruciformis. Identifiers: Orphanet 302, MedGen C0014522, MONDO:0009176.

Allele frequency attached by ClinVar (database versions not stated): TOPMed 0.00003; 1000 Genomes Project 30x 0.00031; 1000 Genomes Project 0.00040.

Submissions (2):

Ambry Genetics
Classification: Uncertain significance for Inborn genetic diseases. Last evaluated: 2025-08-09. Review status: criteria provided, single submitter. Criteria: Ambry Variant Classification Scheme 2023. Collection method: clinical testing. Allele origin: germline.

Labcorp Genetics (formerly Invitae), Labcorp
Classification: Uncertain significance for Epidermodysplasia verruciformis. Last evaluated: 2023-09-29. Review status: criteria provided, single submitter. Criteria: Invitae Variant Classification Sherloc (09022015). Collection method: clinical testing. Allele origin: germline.
Comment: This variant is present in population databases (rs372510006, gnomAD 0.03%). This sequence change replaces arginine, which is basic and polar, with histidine, which is basic and polar, at codon 279 of the TMC8 protein (p.Arg279His). This variant has not been reported in the literature in individuals affected with TMC8-related conditions. ClinVar contains an entry for this variant (Variation ID: 650934). Advanced modeling of protein sequence and biophysical properties (such as structural, functional, and spatial information, amino acid conservation, physicochemical variation, residue mobility, and thermodynamic stability) performed at Invitae indicates that this missense variant is not expected to disrupt TMC8 protein function. In summary, the available evidence is currently insufficient to determine the role of this variant in disease. Therefore, it has been classified as a Variant of Uncertain Significance.